The following is an entry in ClinVar:

NM_000212.3(ITGB3):c.2193_2195dup (p.Leu732_Ile733insLeu)

Genes: EFCAB13-DT (EFCAB13 divergent transcript; minus strand), ITGB3 (integrin subunit beta 3; plus strand). Cytogenetic location: 17q21.32.
Variant type: Duplication.
Coding change: c.2193_2195dup on transcript NM_000212.3 (MANE Select); coding-DNA positions 2193 to 2195, 3 bases duplicated (GCT; older notation c.2193_2195dupGCT).
Protein change: p.Leu732_Ile733insLeu.
Molecular consequence: inframe insertion. On other transcripts: inframe indel (1).
Genome position (GRCh38, 1-based): chr17:47,307,529-47,307,531, GCT duplicated; duplicating any 3 consecutive bases within chr17:47,307,527-47,307,531 gives the same sequence; the c. name uses the placement nearest the transcript's 3' end. VCF-style (leftmost placement, unchanged base first): chr17-47307526-T-TCTG. GRCh37 (hg19) VCF-style: chr17-45384892-T-TCTG.
Other names: c.2193_2195dupGCT (NM_000212.2).
Identifiers: ClinVar variation 2630707 (VCV002630707.1), dbSNP rs2547623744, ClinGen allele CA2695200266.

ClinVar aggregate classification (germline): Uncertain significance (1 of 4 stars; one submission).

Conditions:
ITGB3-related disorder. Also called: ITGB3-related condition.

Submission:

PreventionGenetics, part of Exact Sciences
Classification: Uncertain significance for ITGB3-related condition. Last evaluated: 2023-09-03. Review status: criteria provided, single submitter. Criteria: ACMG Guidelines, 2015. Collection method: clinical testing. Allele origin: germline.
Comment: The ITGB3 c.2193_2195dupGCT variant is predicted to result in an in-frame duplication (p.Leu732dup). To our knowledge, this variant has not been reported in the literature or in a large population database, indicating this variant is rare. At this time, the clinical significance of this variant is uncertain due to the absence of conclusive functional and genetic evidence.